The following is an entry in ClinVar:

ClinVar aggregate classification (germline): Pathogenic/Likely pathogenic. Review status: criteria provided, multiple submitters, no conflicts (2 of 4 stars). 2 submissions from 2 submitters: Pathogenic (1); Likely pathogenic (1). Last evaluated 2025-12-03.

Conditions:
Neonatal pseudo-hydrocephalic progeroid syndrome. Also called: Wiedemann-Rautenstrauch syndrome. Identifiers: Orphanet 3455, MedGen C0406586, MONDO:0009910, OMIM 264090.
Leukodystrophy, hypomyelinating, 7, with or without oligodontia and/or hypogonadotropic hypogonadism (HLD7). Also called: LEUKOENCEPHALOPATHY, HYPOMYELINATING, WITH ATAXIA AND DELAYED DENTITION; ATAXIA, DELAYED DENTITION, AND HYPOMYELINATION; LEUKODYSTROPHY, HYPOMYELINATING, 7, WITH OLIGODONTIA; LEUKODYSTROPHY, HYPOMYELINATING, 7, WITH OLIGODONTIA AND HYPOGONADOTROPIC HYPOGONADISM; LEUKODYSTROPHY, HYPOMYELINATING, 7, WITHOUT OLIGODONTIA OR HYPOGONADOTROPIC HYPOGONADISM; Ataxia, Delayed Dentition and Hypomyelination (ADDH). Identifiers: Orphanet 137639, Orphanet 447893, Orphanet 447896, Orphanet 77295, Orphanet 88637, MedGen CN034185, MONDO:0011897, OMIM 607694.

Submissions (2):

Labcorp Genetics (formerly Invitae), Labcorp
Classification: Pathogenic. Last evaluated: 2025-12-03. Review status: criteria provided, single submitter. Criteria: Invitae Variant Classification Sherloc (09022015). Collection method: clinical testing. Allele origin: germline.
Comment: This sequence change creates a premature translational stop signal (p.Ser878Ilefs*8) in the POLR3A gene. It is expected to result in an absent or disrupted protein product. Loss-of-function variants in POLR3A are known to be pathogenic (PMID: 21855841, 25339210, 27612211, 30414627, 30450527). This variant is present in population databases (no rsID available, gnomAD 0.0008%). This variant has not been reported in the literature in individuals affected with POLR3A-related conditions. ClinVar contains an entry for this variant (Variation ID: 1928113). For these reasons, this variant has been classified as Pathogenic.

Clinical Genomics Laboratory, Washington University in St. Louis
Classification: Likely pathogenic for Leukodystrophy, hypomyelinating, 7, with or without oligodontia and/or hypogonadotropic hypogonadism; Neonatal pseudo-hydrocephalic progeroid syndrome. Last evaluated: 2025-10-30. Review status: criteria provided, single submitter. Criteria: ACMG Guidelines, 2015. Collection method: clinical testing. Allele origin: germline. Affected: yes.
Comment: The POLR3A c.2631_2640del (p.Ser878Ilefs*8) variant, to our knowledge, has not been reported in the medical literature but has been reported in the ClinVar database as a germline pathogenic variant by a single submitter. This variant causes a frameshift by deleting 10 nucleotides, leading to a premature termination codon, which is predicted to lead to nonsense mediated decay. This variant is only observed in 6/1,613,736 alleles in the general population (gnomAD v4.1.0), indicating it is not a common variant. Based on available information and the ACMG/AMP guidelines for variant interpretation (Richards S et al., PMID: 25741868), this variant is classified as likely pathogenic.

Literature cited by the submitters: PubMed 21855841 (cited by Labcorp Genetics (formerly Invitae), Labcorp); PubMed 25339210 (cited by Labcorp Genetics (formerly Invitae), Labcorp); PubMed 27612211 (cited by Labcorp Genetics (formerly Invitae), Labcorp); PubMed 30414627 (cited by Labcorp Genetics (formerly Invitae), Labcorp); PubMed 30450527 (cited by Labcorp Genetics (formerly Invitae), Labcorp).

NM_007055.4(POLR3A):c.2631_2640del (p.Ser878fs)

Gene: POLR3A (RNA polymerase III subunit A; minus strand). Cytogenetic location: 10q22.3.
Variant type: Deletion.
Coding change: c.2631_2640del on transcript NM_007055.4 (MANE Select); coding-DNA positions 2631 to 2640, 10 bases deleted (ATCTCTTGAA; older notation c.2631_2640delATCTCTTGAA).
Protein change: p.Ser878fs; shifts the reading frame from serine 878.
Molecular consequence: frameshift variant.
Genome position (GRCh38, 1-based): chr10:77,993,344-77,993,353, TTCAAGAGAT deleted on the plus strand (ATCTCTTGAA on the coding strand, the reverse complement: POLR3A is on the minus strand); deleting any 10 consecutive bases within chr10:77,993,344-77,993,355 gives the same sequence; the c. name uses the placement nearest the transcript's 3' end. VCF-style (leftmost placement, unchanged base first): chr10-77993343-CTTCAAGAGAT-C. GRCh37 (hg19) VCF-style: chr10-79753101-CTTCAAGAGAT-C.
Other names: short protein forms S878fs.
Identifiers: ClinVar variation 1928113 (VCV001928113.6), dbSNP rs1420670406, ClinGen allele CA594430848.
Genomic context (GRCh38, chr10:77,993,343, plus strand): 5'-TGAACTGGATAATATCGCCAGTAGAGCTTCGGACTGTCAGATCATACTGGGAGCAAAGAT[CTTCAAGAGAT>C]TTGACAAGCCTTCGCTAAAGGAAAAGGAGGAAAAAGCTCAGCTGCTTTGAGAAGACTAGT-3'